The following is an entry in ClinVar:

ClinVar aggregate classification (germline): Uncertain significance. Review status: criteria provided, multiple submitters, no conflicts (2 of 4 stars). 2 submissions from 2 submitters: Uncertain significance (2). Last evaluated 2025-08-27.

Allele frequency attached by ClinVar (database versions not stated): gnomAD exomes 0.00002; gnomAD 0.00004; ExAC 0.00005; TOPMed 0.00008; ESP Exome Variant Server 0.00039.
gnomAD v4.1: 34 of 1,613,682 alleles (0.0021%); highest among the groups gnomAD compares: Non-Finnish European, 0.0029%; no homozygotes.

Submissions (2):

Ambry Genetics
Classification: Uncertain significance. Last evaluated: 2025-08-27. Review status: criteria provided, single submitter. Criteria: Ambry Variant Classification Scheme 2023. Collection method: clinical testing. Allele origin: germline.

Labcorp Genetics (formerly Invitae), Labcorp
Classification: Uncertain significance. Last evaluated: 2022-10-05. Review status: criteria provided, single submitter. Criteria: Invitae Variant Classification Sherloc (09022015). Collection method: clinical testing. Allele origin: germline.
Comment: This sequence change replaces proline, which is neutral and non-polar, with threonine, which is neutral and polar, at codon 640 of the PIK3C2A protein (p.Pro640Thr). This variant is present in population databases (rs150187690, gnomAD 0.009%). This variant has not been reported in the literature in individuals affected with PIK3C2A-related conditions. Algorithms developed to predict the effect of missense changes on protein structure and function are either unavailable or do not agree on the potential impact of this missense change (SIFT: "Not Available"; PolyPhen-2: "Possibly Damaging"; Align-GVGD: "Not Available"). In summary, the available evidence is currently insufficient to determine the role of this variant in disease. Therefore, it has been classified as a Variant of Uncertain Significance.

NM_002645.4(PIK3C2A):c.1918C>A (p.Pro640Thr)

Gene: PIK3C2A (phosphatidylinositol-4-phosphate 3-kinase catalytic subunit type 2 alpha; minus strand). Cytogenetic location: 11p15.1.
Variant type: single nucleotide variant.
Coding change: c.1918C>A on transcript NM_002645.4 (MANE Select); coding-DNA position 1918, C replaced by A.
Protein change: p.Pro640Thr; replaces proline 640 with threonine.
Molecular consequence: missense variant.
Genome position (GRCh38, 1-based): chr11:17,135,009, G>T on the plus strand (C>A on the coding strand, the complement: PIK3C2A is on the minus strand). VCF-style: chr11-17135009-G-T. GRCh37 (hg19) VCF-style: chr11-17156556-G-T.
Other names: c.1918C>A, p.Pro640Thr (NM_001321378.2, NM_001386870.1); c.778C>A, p.Pro260Thr (NM_001321380.2); c.1918C>A (NM_002645.2); short protein forms P260T, P640T.
Identifiers: ClinVar variation 2414156 (VCV002414156.2), dbSNP rs150187690, ClinGen allele CA5901210.